The following continues an entry in ClinVar:

NM_000128.4(F11):c.403G>T (p.Glu135Ter)

Gene: F11. ClinVar aggregate classification (germline): Pathogenic. Pathogenic (30).

Submissions 27 to 35 of 35:

Human Genome Sequencing Center Clinical Lab, Baylor College of Medicine
Classification: Pathogenic for Hereditary factor XI deficiency disease. Last evaluated: 2017-06-05. Review status: criteria provided, single submitter. Criteria: ACMG Guidelines, 2015. Collection method: clinical testing. Allele origin: germline.
Comment: This c.403G>T (p.Glu135*) variant in the F11 gene was first reported in 5 compound heterozygous patients with F11 deficiency [reported as p.Glu117*, Type II mutation, in PMID 2813350]. The patients had none to moderate bleeding symptoms. This variant was also reported in 3 homozygous and 3 compound heterozygous patients of Jewish descent with F11 deficiency [PMID 15140127]. This c.403G>T variant encodes for a nonsense codon in exon 5 and creates a stop codon at amino acid position 135 of the F11 protein. This variant has been detected in 95 heterozygous and one homozygous individuals in the ExAC population database. This variant is thus classified as pathogenic. Copy number variant (CNV) analysis or segregation analysis is necessary to assess the apparent homozygosity status of this variant.

Eurofins Ntd Llc (ga)
Classification: Pathogenic. Last evaluated: 2017-02-21. Review status: criteria provided, single submitter. Criteria: EGL Classification Definitions 2015. Collection method: clinical testing. Allele origin: germline. Observed: 1 variant allele, 1 heterozygote.

Illumina Laboratory Services, Illumina
Classification: Pathogenic for Factor XI Deficiency. Last evaluated: 2016-06-14. Review status: criteria provided, single submitter. Criteria: ICSL Variant Classification 20161018. Collection method: clinical testing. Allele origin: germline.
Comment: The c.403G>T (p.Glu135Ter) stop-gained variant is a founder variant in the Ashkenazi Jewish population predicted to result in premature termination of the protein. The p.Glu135Ter variant has been reported in three studies and is found in a total of 28 factor XI deficiency patients including seven homozygotes, eight compound heterozygotes, and 13 heterozygotes (Asakai et al. 1989; Bolton-Maggs et al. 2004; Mitchell et al. 2006). Control data are unavailable for this variant, which is reported at a frequency of 0.00128 in the European (Non-Finnish) population of the Exome Aggregation Consortium. Based on the potential impact of stop-gained variants and the evidence from the literature, the p.Glu135Ter variant is classified as pathogenic for factor XI deficiency.

ISTH-SSC Genomics in Thrombosis and Hemostasis, KU Leuven, Center for Molecular and Vascular Biology
Classification: Pathogenic for Hereditary factor XI deficiency disease. Review status: criteria provided, single submitter. Criteria: ACMG Guidelines, 2015. Collection method: clinical testing. Allele origin: germline. Affected: yes. Observed: 1 compound heterozygote.
Comment: Submitted to the GoldVariant database by Kathleen Freson, Center for Molecular and Vascular Biology

Zotz-Klimas Genetics Lab, MVZ Zotz Klimas
Classification: Pathogenic for Hereditary factor XI deficiency disease. Last evaluated: 2023-10-30. Review status: no assertion criteria provided. Collection method: clinical testing. Allele origin: germline. Affected: yes. Not counted in ClinVar's aggregate classification.

Birmingham Platelet Group; University of Birmingham
Classification: Pathogenic for Thrombocytopenia; Abnormal bleeding. Last evaluated: 2020-05-01. Review status: no assertion criteria provided. Collection method: research. Allele origin: germline. Affected: yes. Not counted in ClinVar's aggregate classification.

Reproductive Health Research and Development, BGI Genomics
Classification: Pathogenic for Hereditary factor XI deficiency disease. Last evaluated: 2020-01-06. Review status: no assertion criteria provided. Collection method: curation. Allele origin: germline. Not counted in ClinVar's aggregate classification.
Comment: NM_000128.3:c.403G>T in the F11 gene has an allele frequency of 0.017 in Ashkenazi Jewish subpopulation in the gnomAD database. The c.403G>T (p.Glu135Ter) stop-gained variant is a founder variant in the Ashkenazi Jewish population predicted to result in premature termination of the protein. The p.Glu135Ter variant has been reported in factor XI deficiency patients, compound heterozygotes with p.Q251X and p.F301L (also known as F283L) (PMID: 15140127; 16835901). Taken together, we interprete this variant as Pathogenic/Likely pathogenic variant. ACMG/AMP Criteria applied: PVS1; PM3; PP4.

Counsyl
Classification: Pathogenic for Hereditary factor XI deficiency disease. Last evaluated: 2015-10-26. Review status: no assertion criteria provided. Collection method: clinical testing. Allele origin: unknown. Not counted in ClinVar's aggregate classification.

OMIM
Classification: Pathogenic for FACTOR XI DEFICIENCY. Last evaluated: 1991-07-18. Review status: no assertion criteria provided. Collection method: literature only. Allele origin: germline. Not counted in ClinVar's aggregate classification.

Literature cited by the submitters: PubMed 23929304 (cited by Labcorp Genetics (formerly Invitae), Labcorp); PubMed 2813350 (cited by 7 submitters); PubMed 15026311 (cited by 7 submitters); PubMed 20301578 (cited by Variantyx, Inc.); PubMed 29178608 (cited by 3 submitters); PubMed 2052060 (cited by 6 submitters); PubMed 15140127 (cited by 7 submitters); PubMed 16835901 (cited by 7 submitters); PubMed 18758779 (cited by Natera, Inc.); PubMed 19652879 (cited by Natera, Inc.); PubMed 41124306 (cited by Cell Therapy Center, University of Jordan); PubMed 32166871 (cited by Mayo Clinic Laboratories, Mayo Clinic); PubMed 27710856 (cited by Ambry Genetics); PubMed 29138690 (cited by Ambry Genetics and Pittsburgh Clinical Genomics Laboratory, University of Pittsburgh Medical Center); PubMed 32935436 (cited by Pittsburgh Clinical Genomics Laboratory, University of Pittsburgh Medical Center); PubMed 23332144 (cited by Pittsburgh Clinical Genomics Laboratory, University of Pittsburgh Medical Center); PubMed 18446632 (cited by Victorian Clinical Genetics Services, Murdoch Childrens Research Institute); PubMed 32118380 (cited by Victorian Clinical Genetics Services, Murdoch Childrens Research Institute); PubMed 9326232 (cited by Johns Hopkins Genomics, Johns Hopkins University); PubMed 31064749 (cited by NIHR Bioresource Rare Diseases, University of Cambridge); PubMed 10593931 (cited by Counsyl).